The following is an entry in ClinVar:

ClinVar aggregate classification (germline): Pathogenic/Likely pathogenic. Review status: criteria provided, multiple submitters, no conflicts (2 of 4 stars). 7 submissions from 7 submitters: Pathogenic (5); Likely pathogenic (1). 1 of the submissions does not count toward it. Last evaluated 2024-06-03.

Conditions:
OTOA-related disorder. Also called: OTOA-related condition.
Rare genetic deafness. Identifiers: Orphanet 96210, MedGen C5680250.
Autosomal recessive nonsyndromic hearing loss 22. Identifiers: Orphanet 90636, MedGen C1846896, MONDO:0011762, OMIM 607039.

Submissions (7):

Fulgent Genetics
Classification: Pathogenic for Autosomal recessive nonsyndromic hearing loss 22. Last evaluated: 2024-06-03. Review status: criteria provided, single submitter. Criteria: ACMG Guidelines, 2015. Collection method: clinical testing. Allele origin: germline.

Labcorp Genetics (formerly Invitae), Labcorp
Classification: Pathogenic. Last evaluated: 2023-11-15. Review status: criteria provided, single submitter. Criteria: Invitae Variant Classification Sherloc (09022015). Collection method: clinical testing. Allele origin: germline.
Comment: This sequence change creates a premature translational stop signal (p.Gln589Argfs*55) in the OTOA gene. It is expected to result in an absent or disrupted protein product. Loss-of-function variants in OTOA are known to be pathogenic (PMID: 11972037). This variant is present in population databases (rs775776282, gnomAD 0.02%). This premature translational stop signal has been observed in individual(s) with deafness (PMID: 25373420, 30740825). ClinVar contains an entry for this variant (Variation ID: 684616). Algorithms developed to predict the effect of sequence changes on RNA splicing suggest that this variant may disrupt the consensus splice site. For these reasons, this variant has been classified as Pathogenic.

Blueprint Genetics
Classification: Likely pathogenic for OTOA-related disorders. Last evaluated: 2023-05-04. Review status: criteria provided, single submitter. Criteria: ACMG Guidelines, 2015. Collection method: clinical testing. Allele origin: germline. Affected: yes. Observed: 1 variant allele.

Genetic Testing Center for Deafness, Department of Otolaryngology Head & Neck Surgery, Institute of Otolaryngology, Chinese PLA General Hospital
Classification: Pathogenic for Autosomal recessive nonsyndromic hearing loss 22. Last evaluated: 2022-12-13. Review status: criteria provided, single submitter. Criteria: ClinGen HL ACMG Specifications v1. Collection method: clinical testing. Allele origin: unknown. Affected: yes. Observed: 1 variant allele.

3billion
Classification: Pathogenic for Autosomal recessive nonsyndromic hearing loss 22. Last evaluated: 2022-05-22. Review status: criteria provided, single submitter. Criteria: ACMG Guidelines, 2015. Collection method: clinical testing. Allele origin: germline. Affected: yes. Observed: 1 homozygote.
Comment: The variant is observed at an extremely low frequency in the gnomAD v2.1.1 dataset (total allele frequency: 0.001%). Frameshift: predicted to result in a loss or disruption of normal protein function through nonsense-mediated decay (NMD) or protein truncation. Multiple pathogenic variants are reported downstream of the variant. The variant has been reported to be associated with OTOA related disorder (ClinVar ID: VCV000684616 / PMID: 25373420 / 3billion dataset). Therefore, this variant is classified as pathogenic according to the recommendation of ACMG/AMP guideline.

Laboratory for Molecular Medicine, Mass General Brigham Personalized Medicine
Classification: Pathogenic for Rare genetic deafness. Last evaluated: 2019-05-22. Review status: criteria provided, single submitter. Criteria: LMM Criteria. Collection method: clinical testing. Allele origin: germline. Inheritance: Autosomal recessive inheritance. Observed: 1 variant allele.
Comment: The p.Gln589ArgfsX55 variant in OTOA has been previously reported in two Korean individuals with hearing loss, one of whom had congenital moderate to severe sensorineural hearing loss and harbored another OTOA variant in trans (Kim 2019, Park 2014). This variant has been identified in 0.01% (3/18394) of East Asian chromosomes by gnomAD. This variant is predicted to cause a frameshift, which alters the proteinâ€™s amino acid sequence beginning at position 589 and leads to a premature termination codon 55 amino acids downstream. This alteration is then predicted to lead to a truncated or absent protein. Loss of function of the OTOA gene is an established disease mechanism in autosomal recessive nonsyndromic hearing loss. In summary, this variant meets criteria to be classified as pathogenic for autosomal recessive hearing loss. ACMG/AMP criteria applied: PVS1, PM3, PM2_Supporting.

Laboratory of Molecular Genetics, Brain Korea 21 PLUS Project for Medical Sciences, Yonsei University College of Medicine
Classification: Pathogenic for Autosomal recessive nonsyndromic hearing loss 22. Last evaluated: 2019-08-08. Review status: no assertion criteria provided. Collection method: research. Allele origin: germline. Inheritance: Autosomal recessive inheritance. Affected: yes. Not counted in ClinVar's aggregate classification.
Comment: In a family with NSHL, homozygous frameshift variants in OTOA were found. ARNSHL had a characteristic of severe hearing loss. Age of onset was prelingual.

Literature cited by the submitters: PubMed 11972037 (cited by Labcorp Genetics (formerly Invitae), Labcorp); PubMed 25373420 (cited by 3 submitters); PubMed 30740825 (cited by Labcorp Genetics (formerly Invitae), Labcorp and Laboratory for Molecular Medicine, Mass General Brigham Personalized Medicine).

NM_144672.4(OTOA):c.1765del (p.Gln589fs)

Gene: OTOA (otoancorin). Cytogenetic location: 16p12.2.
Variant type: Deletion.
Coding change: c.1765del on transcript NM_144672.4 (MANE Select); coding-DNA position 1765, one base deleted.
Protein change: p.Gln589fs; shifts the reading frame from glutamine 589.
Molecular consequence: frameshift variant.
Genome position: GRCh38 VCF-style: chr16-21719461-TC-T. GRCh37 (hg19) VCF-style: chr16-21730782-TC-T.
Other names: c.1528del, p.Gln510fs (NM_001161683.2); c.793del, p.Gln265fs (NM_170664.3); c.1765delC (NM_144672.4); short protein forms Q265fs, Q589fs, Q510fs.
Identifiers: ClinVar variation 684616 (VCV000684616.13), dbSNP rs775776282, ClinGen allele CA7952758.